The following is an entry in ClinVar:

NM_001004334.4(GPR179):c.1709C>T (p.Ala570Val)

Gene: GPR179 (G protein-coupled receptor 179; minus strand). Cytogenetic location: 17q12.
Variant type: single nucleotide variant.
Coding change: c.1709C>T on transcript NM_001004334.4 (MANE Select); coding-DNA position 1709, C replaced by T.
Protein change: p.Ala570Val; replaces alanine 570 with valine.
Molecular consequence: missense variant.
Genome position (GRCh38, 1-based): chr17:38,334,779, G>A on the plus strand (C>T on the coding strand, the complement: GPR179 is on the minus strand). VCF-style: chr17-38334779-G-A. GRCh37 (hg19) VCF-style: chr17-36490662-G-A.
Other names: short protein forms A570V.
Identifiers: ClinVar variation 1008726 (VCV001008726.8), dbSNP rs373958918, ClinGen allele CA290108474.

ClinVar aggregate classification (germline): Uncertain significance (1 of 4 stars; one submission).

Allele frequency attached by ClinVar (database versions not stated): ExAC 0.00001; gnomAD 0.00007; TOPMed 0.00007; ESP Exome Variant Server 0.00008.
gnomAD v4.1: 18 of 1,613,600 alleles (0.0011%); highest among the groups gnomAD compares: African/African-American, 0.021%; no homozygotes.

Submission:

Labcorp Genetics (formerly Invitae), Labcorp
Classification: Uncertain significance. Last evaluated: 2024-04-26. Review status: criteria provided, single submitter. Criteria: Invitae Variant Classification Sherloc (09022015). Collection method: clinical testing. Allele origin: germline.
Comment: This sequence change replaces alanine, which is neutral and non-polar, with valine, which is neutral and non-polar, at codon 570 of the GPR179 protein (p.Ala570Val). This variant is present in population databases (rs373958918, gnomAD 0.02%). This variant has not been reported in the literature in individuals affected with GPR179-related conditions. ClinVar contains an entry for this variant (Variation ID: 1008726). An algorithm developed to predict the effect of missense changes on protein structure and function (PolyPhen-2) suggests that this variant is likely to be disruptive. In summary, the available evidence is currently insufficient to determine the role of this variant in disease. Therefore, it has been classified as a Variant of Uncertain Significance.